The following is an entry in ClinVar:

NM_006852.6(TLK2):c.1230G>T (p.Arg410Ser)

Gene: TLK2 (tousled like kinase 2; plus strand). Cytogenetic location: 17q23.2.
Variant type: single nucleotide variant.
Coding change: c.1230G>T on transcript NM_006852.6 (MANE Select); coding-DNA position 1230, G replaced by T.
Protein change: p.Arg410Ser; replaces arginine 410 with serine.
Molecular consequence: missense variant.
Genome position (GRCh38, 1-based): chr17:62,578,518, G>T. VCF-style: chr17-62578518-G-T. GRCh37 (hg19) VCF-style: chr17-60655879-G-T.
Other names: c.1296G>T, p.Arg432Ser (NM_001284333.3); c.1134G>T, p.Arg378Ser (NM_001284363.1, NM_001375272.1); c.783G>T, p.Arg261Ser (NM_001330418.3, NM_001375273.1); c.1272G>T, p.Arg424Ser (NM_001375269.1); c.1230G>T, p.Arg410Ser (NM_001375270.1, NM_001375271.1); c.945G>T, p.Arg315Ser (NM_001411074.1); short protein forms R424S, R378S, R410S, R315S, R432S, R261S.
Identifiers: ClinVar variation 2603666 (VCV002603666.2), dbSNP rs768121306, ClinGen allele CA292818409.

ClinVar aggregate classification (germline): Uncertain significance (1 of 4 stars; one submission).

Conditions:
Inborn genetic diseases. Identifiers: MedGen C0950123, MeSH D030342.

Allele frequency attached by ClinVar (database versions not stated): gnomAD exomes below 0.00001; gnomAD 0.00001; TOPMed 0.00005.
gnomAD v4.1: 2 of 1,613,780 alleles (0.00012%); highest among the groups gnomAD compares: Admixed American, 0.0033%; no homozygotes.

Submission:

Ambry Genetics
Classification: Uncertain significance for Inborn genetic diseases. Last evaluated: 2023-06-20. Review status: criteria provided, single submitter. Criteria: Ambry Variant Classification Scheme 2023. Collection method: clinical testing. Allele origin: germline.
Comment: The c.1230G>T (p.R410S) alteration is located in exon 14 (coding exon 13) of the TLK2 gene. This alteration results from a G to T substitution at nucleotide position 1230, causing the arginine (R) at amino acid position 410 to be replaced by a serine (S). This allele was reported in one heterozygous individual in population-based cohorts in the Genome Aggregation Database (gnomAD). This amino acid position is highly conserved in available vertebrate species. The in silico prediction for this alteration is inconclusive. Based on insufficient or conflicting evidence, the clinical significance of this alteration remains unclear.